The following is an entry in ClinVar:

NM_000207.3(INS):c.215C>T (p.Pro72Leu)

Genes: INS (insulin; minus strand), INS-IGF2 (INS-IGF2 readthrough; minus strand). Cytogenetic location: 11p15.5.
Variant type: single nucleotide variant.
Coding change: c.215C>T on transcript NM_000207.3 (MANE Select); coding-DNA position 215, C replaced by T.
Protein change: p.Pro72Leu; replaces proline 72 with leucine.
Molecular consequence: missense variant. On other transcripts: intron variant (1).
Genome position (GRCh38, 1-based): chr11:2,159,970, G>A on the plus strand (C>T on the coding strand, the complement: INS is on the minus strand). VCF-style: chr11-2159970-G-A. GRCh37 (hg19) VCF-style: chr11-2181200-G-A.
Other names: c.215C>T, p.Pro72Leu (NM_001185097.2, NM_001185098.2, NM_001291897.2); c.187+815C>T (NM_001042376.3); short protein forms P72L.
Identifiers: ClinVar variation 3640042 (VCV003640042.2).

ClinVar aggregate classification (germline): Uncertain significance (1 of 4 stars; one submission).

Submission:

Labcorp Genetics (formerly Invitae), Labcorp
Classification: Uncertain significance. Last evaluated: 2024-02-10. Review status: criteria provided, single submitter. Criteria: Invitae Variant Classification Sherloc (09022015). Collection method: clinical testing. Allele origin: germline.
Comment: This sequence change replaces proline, which is neutral and non-polar, with leucine, which is neutral and non-polar, at codon 72 of the INS protein (p.Pro72Leu). This variant is not present in population databases (gnomAD no frequency). This variant has not been reported in the literature in individuals affected with INS-related conditions. An algorithm developed to predict the effect of missense changes on protein structure and function (PolyPhen-2) suggests that this variant is likely to be tolerated. In summary, the available evidence is currently insufficient to determine the role of this variant in disease. Therefore, it has been classified as a Variant of Uncertain Significance.